The following is an entry in ClinVar:

ClinVar aggregate classification (germline): Likely benign. Review status: criteria provided, multiple submitters, no conflicts (2 of 4 stars). 6 submissions from 6 submitters: Likely benign (4). 2 of the submissions do not count toward it. Last evaluated 2025-08-25.

Conditions:
Autosomal recessive polycystic kidney disease (ARPKD). Also called: AR polycystic kidney disease. Identifiers: Orphanet 731, Orphanet 8378, MedGen C0085548, MeSH D017044, MONDO:0009889.
PKHD1-related disorder. Also called: PKHD1-related condition.
Polycystic kidney disease 4 (PKD4). Also called: PKD3; POLYCYSTIC KIDNEY DISEASE 4 WITH OR WITHOUT POLYCYSTIC LIVER DISEASE; Autosomal Recessive Polycystic Kidney Disease – PKHD1; POLYCYSTIC KIDNEY AND HEPATIC DISEASE 1; POLYCYSTIC KIDNEY DISEASE, INFANTILE, TYPE I. Identifiers: MedGen C4540575, MONDO:0033004, OMIM 263200.
Polycystic kidney disease. Also called: Kidney, Polycystic; Polycystic kidney dysplasia. Identifiers: MedGen C0022680, MeSH D007690, MONDO:0020642, HP:0000113.

Allele frequency attached by ClinVar (database versions not stated): TOPMed 0.00005; gnomAD exomes 0.00003 and 0.00005; gnomAD 0.00004; ExAC 0.00005.
gnomAD v4.1: 46 of 1,612,522 alleles (0.0029%); highest among the groups gnomAD compares: Middle Eastern, 0.033%; no homozygotes.

Submissions (6):

Mayo Clinic Laboratories, Mayo Clinic
Classification: Likely benign. Last evaluated: 2025-08-25. Review status: criteria provided, single submitter. Criteria: ACMG Guidelines, 2015. Collection method: clinical testing. Allele origin: germline. Observed: 1 variant allele.
Comment: BP4, BP7, PM2_supporting

Labcorp Genetics (formerly Invitae), Labcorp
Classification: Likely benign for Autosomal recessive polycystic kidney disease. Last evaluated: 2024-03-02. Review status: criteria provided, single submitter. Criteria: Invitae Variant Classification Sherloc (09022015). Collection method: clinical testing. Allele origin: germline.

Fulgent Genetics
Classification: Likely benign for Polycystic kidney disease 4. Last evaluated: 2021-12-15. Review status: criteria provided, single submitter. Criteria: ACMG Guidelines, 2015. Collection method: clinical testing. Allele origin: unknown.

Genome-Nilou Lab
Classification: Likely benign for Polycystic kidney disease 4. Last evaluated: 2021-07-22. Review status: criteria provided, single submitter. Criteria: ACMG Guidelines, 2015. Collection method: clinical testing. Allele origin: germline. Affected: no.

PreventionGenetics, part of Exact Sciences
Classification: Likely benign for PKHD1-related condition. Last evaluated: 2021-01-20. Review status: no assertion criteria provided. Collection method: clinical testing. Allele origin: germline. Not counted in ClinVar's aggregate classification.
Comment: This variant is classified as likely benign based on ACMG/AMP sequence variant interpretation guidelines (Richards et al. 2015 PMID: 25741868, with internal and published modifications).

Department of Pathology and Laboratory Medicine, Sinai Health System
Classification: Likely benign for Polycystic Kidney disease. Review status: no assertion criteria provided. Collection method: clinical testing. Allele origin: unknown. Affected: yes. Observed: 1 variant allele. Study: The Canadian Open Genetics Repository (COGR). Not counted in ClinVar's aggregate classification.
Comment: The PKHD1 p.Asp2762= variant was not identified in the literature nor was it identified in the ClinVar, GeneInsight-COGR, LOVD 3.0, RWTH AAachen University ARPKD, databases. The variant was identified in dbSNP (ID: rs749740610) as N/A, database. The variant was identified in control databases in 14 of 276862 chromosomes at a frequency of 0.000051 (Genome Aggregation Database Feb 27, 2017). Breakdown of the observations by population include African in 2 of 24024 chromosomes (freq: 0.000083), European Non-Finnish in 3 of 126532 chromosomes (freq: 0.000024), East Asian in 7 of 18830 chromosomes (freq: 0.000372), and South Asian in 2 of 30780 chromosomes (freq: 0.000065), while the variant was not observed in the Other, Latino, Ashkenazi Jewish, European Finnish, populations. The p.Asp2762= variant is not expected to have clinical significance because it does not result in a change of amino acid and is not located in a known consensus splice site. In addition, in silico or computational prediction software programs (SpliceSiteFinder, MaxEntScan, NNSPLICE, GeneSplicer, HumanSpliceFinder) do not predict a difference in splicing. In summary, based on the above information, the clinical significance of this variant cannot be determined with certainty at this time although we would lean towards a more benign role for this variant. This variant is classified as likely benign.

NM_138694.4(PKHD1):c.8286C>T (p.Asp2762=)

Gene: PKHD1 (PKHD1 ciliary IPT domain containing fibrocystin/polyductin; minus strand). Cytogenetic location: 6p12.2.
Variant type: single nucleotide variant.
Coding change: c.8286C>T on transcript NM_138694.4 (MANE Select); coding-DNA position 8286, C replaced by T.
Protein change: p.Asp2762=; no amino-acid change (aspartic acid 2762 retained).
Molecular consequence: synonymous variant.
Genome position (GRCh38, 1-based): chr6:51,830,877, G>A on the plus strand (C>T on the coding strand, the complement: PKHD1 is on the minus strand). VCF-style: chr6-51830877-G-A. GRCh37 (hg19) VCF-style: chr6-51695675-G-A.
Other names: p.Asp2762=; c.8286C>T, p.Asp2762= (NM_170724.3).
Identifiers: ClinVar variation 704323 (VCV000704323.19), dbSNP rs749740610, ClinGen allele CA3851690.